The following is an entry in ClinVar:

ClinVar aggregate classification (germline): Uncertain significance (1 of 4 stars; one submission).

Conditions:
Hereditary spastic paraplegia 4. Also called: Spastic paraplegia 4, autosomal dominant; Spastic Paraplegia 4; Familial spastic paraplegia autosomal dominant 2. Identifiers: Orphanet 100985, MedGen C1866855, MONDO:0008438, OMIM 182601.

gnomAD v4.1: 6 of 1,611,770 alleles (0.00037%); highest among the groups gnomAD compares: Non-Finnish European, 0.00051%; no homozygotes.

Submission:

Labcorp Genetics (formerly Invitae), Labcorp
Classification: Uncertain significance for Hereditary spastic paraplegia 4. Last evaluated: 2026-01-03. Review status: criteria provided, single submitter. Criteria: Invitae Variant Classification Sherloc (09022015). Collection method: clinical testing. Allele origin: germline.
Comment: This sequence change replaces alanine, which is neutral and non-polar, with serine, which is neutral and polar, at codon 85 of the SPAST protein (p.Ala85Ser). This variant is not present in population databases (gnomAD no frequency). This variant has not been reported in the literature in individuals affected with SPAST-related conditions. Invitae Evidence Modeling of protein sequence and biophysical properties (such as structural, functional, and spatial information, amino acid conservation, physicochemical variation, residue mobility, and thermodynamic stability) indicates that this missense variant is not expected to disrupt SPAST protein function with a negative predictive value of 95%. In summary, the available evidence is currently insufficient to determine the role of this variant in disease. Therefore, it has been classified as a Variant of Uncertain Significance.

NM_014946.4(SPAST):c.253G>T (p.Ala85Ser)

Gene: SPAST (spastin; plus strand). Cytogenetic location: 2p22.3.
Variant type: single nucleotide variant.
Coding change: c.253G>T on transcript NM_014946.4 (MANE Select); coding-DNA position 253, G replaced by T.
Protein change: p.Ala85Ser; replaces alanine 85 with serine.
Molecular consequence: missense variant.
Genome position (GRCh38, 1-based): chr2:32,064,084, G>T. VCF-style: chr2-32064084-G-T. GRCh37 (hg19) VCF-style: chr2-32289153-G-T.
Other names: c.253G>T, p.Ala85Ser (NM_001363823.2, NM_001363875.2, NM_001377959.1 and 1 more transcripts); short protein forms A85S.
Identifiers: ClinVar variation 4779824 (VCV004779824.1).